The following is an entry in ClinVar:

NM_007289.4(MME):c.2163G>A (p.Gly721=)

Gene: MME (membrane metalloendopeptidase; plus strand). Cytogenetic location: 3q25.2.
Variant type: single nucleotide variant.
Coding change: c.2163G>A on transcript NM_007289.4 (MANE Select); coding-DNA position 2163, G replaced by A.
Protein change: p.Gly721=; no amino-acid change (glycine 721 retained).
Molecular consequence: synonymous variant.
Genome position (GRCh38, 1-based): chr3:155,180,369, G>A. VCF-style: chr3-155180369-G-A. GRCh37 (hg19) VCF-style: chr3-154898158-G-A.
Other names: c.2163G>A, p.Gly721= (NM_000902.5, NM_001354642.2, NM_001354643.1 and 2 more transcripts).
Identifiers: ClinVar variation 2654247 (VCV002654247.24), dbSNP rs2473206580, ClinGen allele CA436555556.

ClinVar aggregate classification (germline): Likely benign (1 of 4 stars; one submission).

gnomAD v4.1: 1 of 1,613,076 alleles (0.000062%); highest among the groups gnomAD compares: Non-Finnish European, 0.000085%; no homozygotes.

Submission:

CeGaT Center for Human Genetics Tuebingen
Classification: Likely benign. Last evaluated: 2023-05-01. Review status: criteria provided, single submitter. Criteria: CeGaT Center For Human Genetics Tuebingen Variant Classification Criteria Version 2. Collection method: clinical testing. Allele origin: germline. Affected: yes. Observed: 1 variant allele.
Comment: MME: PM2:Supporting, BP4, BP7